The following is an entry in ClinVar:

ClinVar aggregate classification (germline): Uncertain significance (1 of 4 stars; one submission).

Allele frequency attached by ClinVar (database versions not stated): gnomAD exomes below 0.00001; ExAC 0.00001.
gnomAD v4.1: 4 of 1,613,224 alleles (0.00025%); highest among the groups gnomAD compares: Admixed American, 0.0017%; no homozygotes.

Submission:

Labcorp Genetics (formerly Invitae), Labcorp
Classification: Uncertain significance. Last evaluated: 2023-01-20. Review status: criteria provided, single submitter. Criteria: Invitae Variant Classification Sherloc (09022015). Collection method: clinical testing. Allele origin: germline.
Comment: In summary, the available evidence is currently insufficient to determine the role of this variant in disease. Therefore, it has been classified as a Variant of Uncertain Significance. Algorithms developed to predict the effect of missense changes on protein structure and function are either unavailable or do not agree on the potential impact of this missense change (SIFT: "Deleterious"; PolyPhen-2: "Probably Damaging"; Align-GVGD: "Class C0"). This variant has not been reported in the literature in individuals affected with SPEG-related conditions. This variant is present in population databases (rs200848544, gnomAD 0.003%). This sequence change replaces arginine, which is basic and polar, with glutamine, which is neutral and polar, at codon 914 of the SPEG protein (p.Arg914Gln).

NM_005876.5(SPEG):c.2741G>A (p.Arg914Gln)

Gene: SPEG (striated muscle enriched protein kinase; plus strand). Cytogenetic location: 2q35.
Variant type: single nucleotide variant.
Coding change: c.2741G>A on transcript NM_005876.5 (MANE Select); coding-DNA position 2741, G replaced by A.
Protein change: p.Arg914Gln; replaces arginine 914 with glutamine.
Molecular consequence: missense variant.
Genome position (GRCh38, 1-based): chr2:219,464,468, G>A. VCF-style: chr2-219464468-G-A. GRCh37 (hg19) VCF-style: chr2-220329190-G-A.
Other names: c.194G>A, p.Arg65Gln (NM_001173476.2); short protein forms R65Q, R914Q.
Identifiers: ClinVar variation 2999162 (VCV002999162.3), dbSNP rs200848544, ClinGen allele CA2125943.